The following is an entry in ClinVar:

ClinVar aggregate classification (germline): Uncertain significance (1 of 4 stars; one submission).

Conditions:
Dilated cardiomyopathy 1G (CMD1G). Identifiers: Orphanet 154, MedGen C1858763, MONDO:0011400, OMIM 604145.
Autosomal recessive limb-girdle muscular dystrophy type 2J (LGMDR10). Also called: Limb-girdle muscular dystrophy, type 2J; MUSCULAR DYSTROPHY, LIMB-GIRDLE, AUTOSOMAL RECESSIVE 10. Identifiers: Orphanet 140922, MedGen C1837342, MONDO:0012127, OMIM 608807.

Allele frequency attached by ClinVar (database versions not stated): gnomAD exomes below 0.00001; ExAC 0.00001.
gnomAD v4.1: 2 of 1,613,352 alleles (0.00012%); highest among the groups gnomAD compares: South Asian, 0.0011%; no homozygotes.

Submission:

Labcorp Genetics (formerly Invitae), Labcorp
Classification: Uncertain significance for Dilated cardiomyopathy 1G; Autosomal recessive limb-girdle muscular dystrophy type 2J. Last evaluated: 2022-01-01. Review status: criteria provided, single submitter. Criteria: Invitae Variant Classification Sherloc (09022015). Collection method: clinical testing. Allele origin: germline.
Comment: This variant is located in the M band of TTN (PMID: 25589632). Variants in this region may be relevant for neuromuscular disorders, but have not been definitively shown to cause cardiomyopathy (PMID: 23975875). In summary, the available evidence is currently insufficient to determine the role of this variant in disease. Therefore, it has been classified as a Variant of Uncertain Significance. Experimental studies and prediction algorithms are not available or were not evaluated, and the functional significance of this variant is currently unknown. This variant has not been reported in the literature in individuals affected with TTN-related conditions. This variant is present in population databases (rs759462905, gnomAD 0.003%). This sequence change replaces alanine, which is neutral and non-polar, with threonine, which is neutral and polar, at codon 34916 of the TTN protein (p.Ala34916Thr).

Literature cited by the submitters: PubMed 25589632; PubMed 23975875.

NM_001267550.2(TTN):c.104746G>A (p.Ala34916Thr)

Genes: TTN-AS1 (TTN antisense RNA 1; plus strand), TTN (titin; minus strand). Cytogenetic location: 2q31.2.
Variant type: single nucleotide variant.
Coding change: c.104746G>A on transcript NM_001267550.2 (MANE Select); coding-DNA position 104746, G replaced by A.
Protein change: p.Ala34916Thr; replaces alanine 34916 with threonine.
Molecular consequence: missense variant.
Genome position (GRCh38, 1-based): chr2:178,531,869, C>T on the plus strand (G>A on the coding strand, the complement: TTN is on the minus strand). VCF-style: chr2-178531869-C-T. GRCh37 (hg19) VCF-style: chr2-179396596-C-T.
Other names: c.99823G>A, p.Ala33275Thr (NM_001256850.1); c.77551G>A, p.Ala25851Thr (NM_003319.4); c.97042G>A, p.Ala32348Thr (NM_133378.4); c.77926G>A, p.Ala25976Thr (NM_133432.3); c.78127G>A, p.Ala26043Thr (NM_133437.4); short protein forms A34916T, A25976T, A26043T, A33275T, A25851T, A32348T.
Identifiers: ClinVar variation 1991972 (VCV001991972.4), dbSNP rs759462905, ClinGen allele CA1985367.
Genomic context (GRCh38, chr2:178,531,869, plus strand): 5'-AAGGCTGCTGACTCAAAACTTCATACTTCCTTTCTGATGTCTTCTGAGTTTTTAAAGCAG[C>T]TTTCATGGACTCATACCTGGAAAAGATATCAAATCTTGCAGACCTCTCAAATCTCGAGAG-3'
Protein context (NP_001254479.2, residues 34906-34926): DIFSRYESMK[Ala34916Thr]ALKTQKTSER